The following is an entry in ClinVar:

ClinVar aggregate classification (germline): Likely pathogenic (1 of 4 stars; one submission).

Conditions:
Fabry disease. Also called: ALPHA-GALACTOSIDASE A DEFICIENCY; ANDERSON-FABRY DISEASE; CERAMIDE TRIHEXOSIDASE DEFICIENCY; GLA DEFICIENCY; HEREDITARY DYSTOPIC LIPIDOSIS; Angiokeratoma corporis diffusum. Identifiers: Orphanet 324, MedGen C0002986, MONDO:0010526, OMIM 301500, HP:0001071. Disease mechanism: Fabry disease is due to inactivating mutations in the X-linked GLA gene resulting in deficiency of the enzyme Alpha Galactosidase-A., loss of function.

Submission:

Genomenon, Inc
Classification: Likely pathogenic for Fabry disease. Last evaluated: 2026-09-08. Review status: criteria provided, single submitter. Criteria: Genomenon Sequence Variant Interpretation Standards - Updated. Collection method: curation. Allele origin: germline. Affected: yes.
Comment: GLA p.Leu120_Asn122delinsHis (c.359_364del) is an in-frame deletion-insertion variant resulting in the replacement of multiple amino acids, from Leucine at codon 120 to Asparagine at codon 122, with a single Histidine. This variant has been observed in at least one proband with clinical features consistent with Fabry disease (PMID:11668641;21700093). At least one functional study has demonstrated a substantial alteration in protein function relative to the wild-type (PMID:27657681). It is absent or not present at a significant frequency in gnomAD. In conclusion, we classify GLA p.Leu120_Asn122delinsHis (c.359_364del) as a likely pathogenic variant.

Literature cited by the submitters: PubMed 11668641; PubMed 21700093; PubMed 27657681.

NM_000169.3(GLA):c.359_364del (p.Leu120_Asn122delinsHis)

Genes: GLA (galactosidase alpha; minus strand), RPL36A-HNRNPH2 (RPL36A-HNRNPH2 readthrough; plus strand). Cytogenetic location: Xq22.1.
Variant type: Deletion.
Coding change: c.359_364del on transcript NM_000169.3 (MANE Select); coding-DNA positions 359 to 364, 6 bases deleted (TAGCTA; older notation c.359_364delTAGCTA).
Protein change: p.Leu120_Asn122delinsHis.
Molecular consequence: inframe indel. On other transcripts: non-coding transcript variant (3), intron variant (2).
Genome position (GRCh38, 1-based): chrX:101,403,816-101,403,821, TAGCTA deleted on the plus strand (TAGCTA on the coding strand, the reverse complement: GLA is on the minus strand). VCF-style (leftmost placement, unchanged base first): chrX-101403815-TTAGCTA-T. GRCh37 (hg19) VCF-style: chrX-100658803-TTAGCTA-T.
Other names: c.482_487del, p.Leu161_Asn163delinsHis (NM_001406747.1, NM_001406749.1); c.359_364del, p.Leu120_Asn122delinsHis (NM_001406748.1); c.301-8120_301-8115del (NM_001199973.2); c.178-8120_178-8115del (NM_001199974.2).
Identifiers: ClinVar variation 4087235 (VCV004087235.2).